The following is an entry in ClinVar:

NM_020184.4(CNNM4):c.1312dup (p.Leu438fs)

Gene: CNNM4 (cyclin and CBS domain divalent metal cation transport mediator 4; plus strand). Cytogenetic location: 2q11.2.
Variant type: Duplication.
Coding change: c.1312dup on transcript NM_020184.4 (MANE Select); coding-DNA position 1312, one base duplicated (C; older notation c.1312dupC).
Protein change: p.Leu438fs; shifts the reading frame from leucine 438.
Molecular consequence: frameshift variant.
Genome position (GRCh38, 1-based): chr2:96,762,311, C duplicated; the last of 6 consecutive C bases (chr2:96,762,306-96,762,311); duplicating any one gives the same sequence. VCF-style (leftmost placement, unchanged base first): chr2-96762305-A-AC. GRCh37 (hg19) VCF-style: chr2-97428042-A-AC.
Other names: short protein forms L438fs.
Identifiers: ClinVar variation 2847 (VCV000002847.4), dbSNP rs746879923, ClinGen allele CA1783323.

ClinVar aggregate classification (germline): Pathogenic/Likely pathogenic. Review status: criteria provided, multiple submitters, no conflicts (2 of 4 stars). 4 submissions from 4 submitters: Pathogenic (1); Likely pathogenic (1). 2 of the submissions do not count toward it. Last evaluated 2022-10-11.

Conditions:
CNNM4-related disorder. Also called: CNNM4-related condition.
Retinal dystrophy. Also called: Inherited retinal dystrophy. Identifiers: Orphanet 71862, MedGen C0854723, MeSH D058499, MONDO:0019118, HP:0000556.
Jalili syndrome. Also called: CONE-ROD DYSTROPHY AND AMELOGENESIS IMPERFECTA. Identifiers: Orphanet 1873, MedGen C3495589, MONDO:0009007, OMIM 217080.

Submissions (4):

Institute of Human Genetics, University of Leipzig Medical Center
Classification: Likely pathogenic for Jalili syndrome. Last evaluated: 2022-10-11. Review status: criteria provided, single submitter. Criteria: ACMG Guidelines, 2015. Collection method: clinical testing. Allele origin: unknown. Affected: yes.
Comment: _x000D_This variant was identified as compound heterozygous withNM_020184.4:c.694_722del. Criteria applied: PVS1, PM2_SUP

Blueprint Genetics
Classification: Pathogenic for CNNM4-related disorders. Last evaluated: 2022-01-12. Review status: criteria provided, single submitter. Criteria: ACMG Guidelines, 2015. Collection method: clinical testing. Allele origin: germline. Affected: yes. Observed: 3 variant alleles.

Institute of Human Genetics, Univ. Regensburg, Univ. Regensburg
Classification: Pathogenic for Retinal dystrophy. Last evaluated: 2022-01-01. Review status: no assertion criteria provided. Criteria: ACMG Guidelines, 2015. Collection method: clinical testing. Allele origin: germline. Affected: yes. Not counted in ClinVar's aggregate classification.

OMIM
Classification: Pathogenic for JALILI SYNDROME. Last evaluated: 2009-02-01. Review status: no assertion criteria provided. Collection method: literature only. Allele origin: germline. Not counted in ClinVar's aggregate classification.

Literature cited by the submitters: PubMed 19200527 (cited by OMIM); PubMed 15173235 (cited by OMIM); PubMed 19200525 (cited by OMIM).